The following is an entry in ClinVar:

NM_001042492.3(NF1):c.590C>T (p.Thr197Ile)

Gene: NF1 (neurofibromin 1; plus strand). Cytogenetic location: 17q11.2.
Variant type: single nucleotide variant.
Coding change: c.590C>T on transcript NM_001042492.3 (MANE Select); coding-DNA position 590, C replaced by T.
Protein change: p.Thr197Ile; replaces threonine 197 with isoleucine.
Molecular consequence: missense variant.
Genome position (GRCh38, 1-based): chr17:31,181,425, C>T. VCF-style: chr17-31181425-C-T. GRCh37 (hg19) VCF-style: chr17-29508443-C-T.
Other names: c.590C>T, p.Thr197Ile (NM_000267.4, NM_001128147.3); short protein forms T197I.
Identifiers: ClinVar variation 2760667 (VCV002760667.3), dbSNP rs1597658021, ClinGen allele CA398989198.

ClinVar aggregate classification (germline): Uncertain significance (1 of 4 stars; one submission).

Conditions:
Neurofibromatosis, type 1 (NF1). Also called: VON RECKLINGHAUSEN DISEASE; NEUROFIBROMATOSIS, TYPE I, SOMATIC; Peripheral type neurofibromatosis; Neurofibromatosis, type I. Identifiers: Orphanet 636, MedGen C0027831, MONDO:0018975, OMIM 162200. Disease mechanism: loss of function.

Submission:

Labcorp Genetics (formerly Invitae), Labcorp
Classification: Uncertain significance for Neurofibromatosis, type 1. Last evaluated: 2023-07-07. Review status: criteria provided, single submitter. Criteria: Invitae Variant Classification Sherloc (09022015). Collection method: clinical testing. Allele origin: germline.
Comment: This variant has not been reported in the literature in individuals affected with NF1-related conditions. In summary, the available evidence is currently insufficient to determine the role of this variant in disease. Therefore, it has been classified as a Variant of Uncertain Significance. Advanced modeling of protein sequence and biophysical properties (such as structural, functional, and spatial information, amino acid conservation, physicochemical variation, residue mobility, and thermodynamic stability) performed at Invitae indicates that this missense variant is not expected to disrupt NF1 protein function. This variant is not present in population databases (gnomAD no frequency). This sequence change replaces threonine, which is neutral and polar, with isoleucine, which is neutral and non-polar, at codon 197 of the NF1 protein (p.Thr197Ile).